The following is an entry in ClinVar:

ClinVar aggregate classification (germline): Pathogenic. Review status: reviewed by expert panel (3 of 4 stars). 3 submissions from 3 submitters: Pathogenic (1). 2 of the submissions do not count toward it. Last evaluated 2016-10-18.

Conditions:
Breast-ovarian cancer, familial, susceptibility to, 2 (BROVCA2). Also called: BRCA2 Hereditary Breast and Ovarian Cancer. Identifiers: Orphanet 145, MedGen C2675520, MONDO:0012933, OMIM 612555. Disease mechanism: loss of function.

Submissions (3):

Evidence-based Network for the Interpretation of Germline Mutant Alleles (ENIGMA)
Classification: Pathogenic for Breast-ovarian cancer, familial, susceptibility to, 2. Last evaluated: 2016-10-18. Review status: reviewed by expert panel. Criteria: ENIGMA BRCA1/2 Classification Criteria (2015). Collection method: curation. Allele origin: germline.
Comment: Variant allele predicted to encode a truncated non-functional protein.

GeneDx
Classification: Pathogenic. Last evaluated: 2017-03-03. Review status: criteria provided, single submitter. Criteria: GeneDx Variant Classification (06012015). Collection method: clinical testing. Allele origin: germline. Affected: yes. Not counted in ClinVar's aggregate classification.
Comment: This deletion of one nucleotide in BRCA2 is denoted c.7744delG at the cDNA level and p.Ala2582LeufsX66 (A2582LfsX66) at the protein level. The normal sequence, with the base that is deleted in brackets, is GTTG[delG]CTGA. The deletion causes a frameshift which changes an Alanine to a Leucine at codon 2582, and creates a premature stop codon at position 66 of the new reading frame. This variant is predicted to cause loss of normal protein function through either protein truncation or nonsense-mediated mRNA decay. BRCA2 c.7744delG, also published as BRCA2 7972delG using alternate nomenclature, has been reported in individuals with breast cancer (Kang 2015). We consider this variant to be pathogenic.

Consortium of Investigators of Modifiers of BRCA1/2 (CIMBA), c/o University of Cambridge
Classification: Pathogenic for Breast-ovarian cancer, familial, susceptibility to, 2. Last evaluated: 2015-10-02. Review status: criteria provided, single submitter. Criteria: CIMBA Mutation Classification guidelines May 2016. Collection method: clinical testing. Allele origin: germline. Not counted in ClinVar's aggregate classification.

NM_000059.4(BRCA2):c.7744del (p.Ala2582fs)

Gene: BRCA2 (BRCA2 DNA repair associated; plus strand). Cytogenetic location: 13q13.1.
Variant type: Deletion.
Coding change: c.7744del on transcript NM_000059.4 (MANE Select); coding-DNA position 7744, one base deleted (G; older notation c.7744delG).
Protein change: p.Ala2582fs; shifts the reading frame from alanine 2582.
Molecular consequence: frameshift variant.
Genome position (GRCh38, 1-based): chr13:32,357,868, G deleted; the last of 2 consecutive G bases (chr13:32,357,867-32,357,868); deleting either gives the same sequence. VCF-style (leftmost placement, unchanged base first): chr13-32357866-TG-T. GRCh37 (hg19) VCF-style: chr13-32932003-TG-T.
Other names: 7972delG; c.7744delG (NM_000059.3).
Identifiers: ClinVar variation 267033 (VCV000267033.8), dbSNP rs886040727, ClinGen allele CA10589448.